The following is an entry in ClinVar:

NM_004370.6(COL12A1):c.6286A>G (p.Ile2096Val)

Gene: COL12A1 (collagen type XII alpha 1 chain; minus strand). Cytogenetic location: 6q13.
Variant type: single nucleotide variant.
Coding change: c.6286A>G on transcript NM_004370.6 (MANE Select); coding-DNA position 6286, A replaced by G.
Protein change: p.Ile2096Val; replaces isoleucine 2096 with valine.
Molecular consequence: missense variant.
Genome position (GRCh38, 1-based): chr6:75,128,350, T>C on the plus strand (A>G on the coding strand, the complement: COL12A1 is on the minus strand). VCF-style: chr6-75128350-T-C. GRCh37 (hg19) VCF-style: chr6-75838066-T-C.
Other names: c.6286A>G, p.Ile2096Val (NM_001424113.1); c.6265A>G, p.Ile2089Val (NM_001424114.1); c.6013A>G, p.Ile2005Val (NM_001424115.1); c.2794A>G, p.Ile932Val (NM_001424116.1, NM_080645.3); short protein forms I2096V, I2005V, I932V, I2089V.
Identifiers: ClinVar variation 4792633 (VCV004792633.1).
Genomic context (GRCh38, chr6:75,128,350, plus strand): 5'-ACTTACCAGTTCTTCCATTTCCTGTTAGATGGCCACCATCTCCATCTTCATAAACAGCAA[T>C]AACAGTAATTTTATATGGAGTGTCAGGTTGCAGGGGCTGCAGTATTACATTGTTTCTTCT-3'
Protein context (NP_004361.3, residues 2086-2106): QPDTPYKITV[Ile2096Val]AVYEDGDGGH

ClinVar aggregate classification (germline): Uncertain significance (1 of 4 stars; one submission).

Conditions:
Ullrich congenital muscular dystrophy 2 (UCMD2). Identifiers: Orphanet 75840, MedGen C4225314, MONDO:0014654, OMIM 616470.
Bethlem myopathy 2 (BTHLM2). Identifiers: Orphanet 536516, Orphanet 610, MedGen C4225313, MONDO:0034022, OMIM 616471.

gnomAD v4.1: 7 of 1,610,006 alleles (0.00043%); highest among the groups gnomAD compares: South Asian, 0.0067%; no homozygotes.

Submission:

Labcorp Genetics (formerly Invitae), Labcorp
Classification: Uncertain significance for Bethlem myopathy 2; Ullrich congenital muscular dystrophy 2. Last evaluated: 2025-09-01. Review status: criteria provided, single submitter. Criteria: Invitae Variant Classification Sherloc (09022015). Collection method: clinical testing. Allele origin: germline.
Comment: This sequence change replaces isoleucine, which is neutral and non-polar, with valine, which is neutral and non-polar, at codon 2096 of the COL12A1 protein (p.Ile2096Val). This variant is present in population databases (rs771740222, gnomAD 0.003%). This variant has not been reported in the literature in individuals affected with COL12A1-related conditions. Invitae Evidence Modeling of protein sequence and biophysical properties (such as structural, functional, and spatial information, amino acid conservation, physicochemical variation, residue mobility, and thermodynamic stability) indicates that this missense variant is not expected to disrupt COL12A1 protein function with a negative predictive value of 80%. In summary, the available evidence is currently insufficient to determine the role of this variant in disease. Therefore, it has been classified as a Variant of Uncertain Significance.